The following is an entry in ClinVar:

NM_001369.3(DNAH5):c.4257C>A (p.Tyr1419Ter)

Genes: DNAH5 (dynein axonemal heavy chain 5; minus strand), DNAH5-AS1 (DNAH5 antisense RNA 1; plus strand). Cytogenetic location: 5p15.2.
Variant type: single nucleotide variant.
Coding change: c.4257C>A on transcript NM_001369.3 (MANE Select); coding-DNA position 4257, C replaced by A.
Protein change: p.Tyr1419Ter; replaces tyrosine 1419 with a stop codon.
Molecular consequence: nonsense.
Genome position (GRCh38, 1-based): chr5:13,865,766, G>T on the plus strand (C>A on the coding strand, the complement: DNAH5 is on the minus strand). VCF-style: chr5-13865766-G-T. GRCh37 (hg19) VCF-style: chr5-13865875-G-T.
Other names: short protein forms Y1419*.
Identifiers: ClinVar variation 1739132 (VCV001739132.2), dbSNP rs1769153825, ClinGen allele CA359224980.

ClinVar aggregate classification (germline): Pathogenic (1 of 4 stars; one submission).

Conditions:
Primary ciliary dyskinesia. Also called: Ciliary dyskinesia. Identifiers: Orphanet 244, MedGen C0008780, MONDO:0016575, HP:0012265.

Submission:

Ambry Genetics
Classification: Pathogenic for Primary ciliary dyskinesia. Last evaluated: 2022-09-22. Review status: criteria provided, single submitter. Criteria: Ambry Variant Classification Scheme 2023. Collection method: clinical testing. Allele origin: germline.
Comment: The p.Y1419* pathogenic mutation (also known as c.4257C>A), located in coding exon 27 of the DNAH5 gene, results from a C to A substitution at nucleotide position 4257. This changes the amino acid from a tyrosine to a stop codon within coding exon 27. This alteration is expected to result in loss of function by premature protein truncation or nonsense-mediated mRNA decay. As such, this alteration is interpreted as a disease-causing mutation.